The following is an entry in ClinVar:

ClinVar aggregate classification (germline): Uncertain significance (1 of 4 stars; one submission).

Submission:

Labcorp Genetics (formerly Invitae), Labcorp
Classification: Uncertain significance. Last evaluated: 2024-07-23. Review status: criteria provided, single submitter. Criteria: Invitae Variant Classification Sherloc (09022015). Collection method: clinical testing. Allele origin: germline.
Comment: This sequence change replaces proline, which is neutral and non-polar, with alanine, which is neutral and non-polar, at codon 1395 of the SON protein (p.Pro1395Ala). This variant is not present in population databases (gnomAD no frequency). This variant has not been reported in the literature in individuals affected with SON-related conditions. An algorithm developed to predict the effect of missense changes on protein structure and function outputs the following: PolyPhen-2: "Benign". The alanine amino acid residue is found in multiple mammalian species, which suggests that this missense change does not adversely affect protein function. In summary, the available evidence is currently insufficient to determine the role of this variant in disease. Therefore, it has been classified as a Variant of Uncertain Significance.

NM_138927.4(SON):c.4183C>G (p.Pro1395Ala)

Gene: SON (SON DNA and RNA binding protein; plus strand). Cytogenetic location: 21q22.11.
Variant type: single nucleotide variant.
Coding change: c.4183C>G on transcript NM_138927.4 (MANE Select); coding-DNA position 4183, C replaced by G.
Protein change: p.Pro1395Ala; replaces proline 1395 with alanine.
Molecular consequence: missense variant. On other transcripts: non-coding transcript variant (1), intron variant (1).
Genome position (GRCh38, 1-based): chr21:33,553,414, C>G. VCF-style: chr21-33553414-C-G. GRCh37 (hg19) VCF-style: chr21-34925720-C-G.
Other names: c.4183C>G, p.Pro1395Ala (NM_001291411.2, NM_032195.3); c.245-3742C>G (NM_001291412.3); short protein forms P1395A.
Identifiers: ClinVar variation 3607931 (VCV003607931.2).